The following is an entry in ClinVar:

NM_032043.3(BRIP1):c.1356_1371del (p.Asn452fs)

Gene: BRIP1 (BRCA1 interacting DNA helicase 1; minus strand). Cytogenetic location: 17q23.2.
Variant type: Deletion.
Coding change: c.1356_1371del on transcript NM_032043.3 (MANE Select); coding-DNA positions 1356 to 1371, 16 bases deleted (CGCTGAATATCTTGTA).
Protein change: p.Asn452fs; shifts the reading frame from asparagine 452.
Molecular consequence: frameshift variant.
Genome position (GRCh38, 1-based): chr17:61,793,699-61,793,714, TACAAGATATTCAGCG deleted on the plus strand (CGCTGAATATCTTGTA on the coding strand, the reverse complement: BRIP1 is on the minus strand); deleting any 16 consecutive bases within chr17:61,793,699-61,793,715 gives the same sequence; the c. name uses the placement nearest the transcript's 3' end. VCF-style (leftmost placement, unchanged base first): chr17-61793698-CTACAAGATATTCAGCG-C. GRCh37 (hg19) VCF-style: chr17-59871059-CTACAAGATATTCAGCG-C.
Other names: short protein forms N452fs.
Identifiers: ClinVar variation 1076680 (VCV001076680.9), dbSNP rs2145243883, ClinGen allele CA2499224796.
Genomic context (GRCh38, chr17:61,793,698, plus strand): 5'-GTAAAGTTAAGAGCATTTCATTTCCACTCCATATTTTACAAGCTGATTCATAATCTCTTT[CTACAAGATATTCAGCG>C]TTTGCTTCTAACCAACTGAAATAAAATAAAACAATTGTGTCAACCAGTATCATCCTTACA-3'

ClinVar aggregate classification (germline): Pathogenic. Review status: criteria provided, multiple submitters, no conflicts (2 of 4 stars). 2 submissions from 2 submitters: Pathogenic (2). Last evaluated 2023-06-01.

Conditions:
Fanconi anemia complementation group J. Also called: BRIP1-Related Fanconi Anemia. Identifiers: Orphanet 84, MedGen C1836860, MONDO:0012187, OMIM 609054.
Familial cancer of breast. Also called: BREAST CANCER, FAMILIAL; hereditary breast carcinoma; Hereditary breast cancer. Identifiers: Orphanet 227535, MedGen C0346153, MONDO:0016419, OMIM 114480. Disease mechanism: loss of function.

Submissions (2):

Myriad Genetics, Inc.
Classification: Pathogenic for Familial cancer of breast. Last evaluated: 2023-06-01. Review status: criteria provided, single submitter. Criteria: Myriad Autosomal Dominant, Autosomal Recessive and X-Linked Classification Criteria (2023). Collection method: clinical testing. Allele origin: unknown.
Comment: This variant is considered pathogenic. This variant creates a frameshift predicted to result in premature protein truncation.

Labcorp Genetics (formerly Invitae), Labcorp
Classification: Pathogenic for Familial cancer of breast; Fanconi anemia complementation group J. Last evaluated: 2020-03-04. Review status: criteria provided, single submitter. Criteria: Invitae Variant Classification Sherloc (09022015). Collection method: clinical testing. Allele origin: germline.
Comment: This sequence change creates a premature translational stop signal (p.Asn452Lysfs*19) in the BRIP1 gene. It is expected to result in an absent or disrupted protein product. This variant is not present in population databases (ExAC no frequency). This variant has not been reported in the literature in individuals with BRIP1-related conditions. Loss-of-function variants in BRIP1 are known to be pathogenic (PMID: 16116423, 17033622, 21964575). For these reasons, this variant has been classified as Pathogenic.

Literature cited by the submitters: PubMed 16116423 (cited by Labcorp Genetics (formerly Invitae), Labcorp); PubMed 17033622 (cited by Labcorp Genetics (formerly Invitae), Labcorp); PubMed 21964575 (cited by Labcorp Genetics (formerly Invitae), Labcorp).